The following is an entry in ClinVar:

ClinVar aggregate classification (germline): Uncertain significance (1 of 4 stars; one submission).

Submission:

Labcorp Genetics (formerly Invitae), Labcorp
Classification: Uncertain significance. Last evaluated: 2020-12-04. Review status: criteria provided, single submitter. Criteria: Invitae Variant Classification Sherloc (09022015). Collection method: clinical testing. Allele origin: germline.
Comment: This variant has not been reported in the literature in individuals with ZSWIM6-related conditions. In summary, the available evidence is currently insufficient to determine the role of this variant in disease. Therefore, it has been classified as a Variant of Uncertain Significance. Experimental studies and prediction algorithms are not available or were not evaluated, and the functional significance of this variant is currently unknown. The frequency data for this variant in the population databases is considered unreliable, as metrics indicate insufficient coverage at this position in the ExAC database. This variant, c.579_587del, results in the deletion of 3 amino acid(s) of the ZSWIM6 protein (p.Gly195_Ala197del), but otherwise preserves the integrity of the reading frame.

NM_020928.2(ZSWIM6):c.579_587del (p.192GAA[1])

Gene: ZSWIM6 (zinc finger SWIM-type containing 6; plus strand). Cytogenetic location: 5q12.1.
Variant type: Deletion.
Coding change: c.579_587del on transcript NM_020928.2 (MANE Select); coding-DNA positions 579 to 587, 9 bases deleted (TGCCGGGGC; older notation c.579_587delTGCCGGGGC).
Protein change: p.192GAA[1].
Molecular consequence: inframe deletion.
Genome position (GRCh38, 1-based): chr5:61,332,851-61,332,859, TGCCGGGGC deleted; deleting any 9 consecutive bases within chr5:61,332,846-61,332,859 gives the same sequence; the c. name uses the placement nearest the transcript's 3' end. VCF-style (leftmost placement, unchanged base first): chr5-61332845-GGGGGCTGCC-G. GRCh37 (hg19) VCF-style: chr5-60628672-GGGGGCTGCC-G.
Identifiers: ClinVar variation 1463925 (VCV001463925.8), dbSNP rs1744293133, ClinGen allele CA1076668323.